The following is an entry in ClinVar:

ClinVar aggregate classification (germline): Uncertain significance. Review status: criteria provided, multiple submitters, no conflicts (2 of 4 stars). 3 submissions from 3 submitters: Uncertain significance (3). Last evaluated 2023-06-09.

Conditions:
Inborn genetic diseases. Identifiers: MedGen C0950123, MeSH D030342.
Charcot-Marie-Tooth disease axonal type 2O. Also called: CHARCOT-MARIE-TOOTH NEUROPATHY, AXONAL, TYPE 2O; CHARCOT-MARIE-TOOTH DISEASE, AXONAL, AUTOSOMAL DOMINANT, TYPE 2O; Charcot-Marie-Tooth Neuropathy Type 2O; Charcot-Marie-Tooth disease, axonal, type 20. Identifiers: Orphanet 284232, MedGen C3280220, MONDO:0013644, OMIM 614228.

Allele frequency attached by ClinVar (database versions not stated): TOPMed below 0.00001; gnomAD 0.00001; gnomAD exomes 0.00001.
gnomAD v4.1: 4 of 1,613,744 alleles (0.00025%); highest among the groups gnomAD compares: Admixed American, 0.0033%; no homozygotes.

Submissions (3):

Labcorp Genetics (formerly Invitae), Labcorp
Classification: Uncertain significance for Charcot-Marie-Tooth disease axonal type 2O. Last evaluated: 2023-06-09. Review status: criteria provided, single submitter. Criteria: Invitae Variant Classification Sherloc (09022015). Collection method: clinical testing. Allele origin: germline.
Comment: In summary, the available evidence is currently insufficient to determine the role of this variant in disease. Therefore, it has been classified as a Variant of Uncertain Significance. Advanced modeling of protein sequence and biophysical properties (such as structural, functional, and spatial information, amino acid conservation, physicochemical variation, residue mobility, and thermodynamic stability) performed at Invitae indicates that this missense variant is not expected to disrupt DYNC1H1 protein function. ClinVar contains an entry for this variant (Variation ID: 1785935). This variant has not been reported in the literature in individuals affected with DYNC1H1-related conditions. This variant is not present in population databases (gnomAD no frequency). This sequence change replaces aspartic acid, which is acidic and polar, with alanine, which is neutral and non-polar, at codon 701 of the DYNC1H1 protein (p.Asp701Ala).

GeneDx
Classification: Uncertain significance. Last evaluated: 2023-04-26. Review status: criteria provided, single submitter. Criteria: GeneDx Variant Classification Process June 2021. Collection method: clinical testing. Allele origin: germline. Affected: yes.
Comment: In silico analysis supports that this missense variant has a deleterious effect on protein structure/function; Has not been previously published as pathogenic or benign to our knowledge; This variant is associated with the following publications: (PMID: 25512093, 25609763, 26100331)

Ambry Genetics
Classification: Uncertain significance for Inborn genetic diseases. Last evaluated: 2017-10-16. Review status: criteria provided, single submitter. Criteria: Ambry Variant Classification Scheme 2023. Collection method: clinical testing. Allele origin: germline.
Comment: The p.D701A variant (also known as c.2102A>C), located in coding exon 8 of the DYNC1H1 gene, results from an A to C substitution at nucleotide position 2102. The aspartic acid at codon 701 is replaced by alanine, an amino acid with dissimilar properties. This amino acid position is highly conserved in available vertebrate species. In addition, the in silico prediction for this alteration is inconclusive. Since supporting evidence is limited at this time, the clinical significance of this alteration remains unclear.

NM_001376.5(DYNC1H1):c.2102A>C (p.Asp701Ala)

Gene: DYNC1H1 (dynein cytoplasmic 1 heavy chain 1; plus strand). Cytogenetic location: 14q32.31.
Variant type: single nucleotide variant.
Coding change: c.2102A>C on transcript NM_001376.5 (MANE Select); coding-DNA position 2102, A replaced by C.
Protein change: p.Asp701Ala; replaces aspartic acid 701 with alanine.
Molecular consequence: missense variant.
Genome position (GRCh38, 1-based): chr14:101,986,327, A>C. VCF-style: chr14-101986327-A-C. GRCh37 (hg19) VCF-style: chr14-102452664-A-C.
Other names: short protein forms D701A.
Identifiers: ClinVar variation 1785935 (VCV001785935.6), dbSNP rs2047936446, ClinGen allele CA391020898.